The following is an entry in ClinVar:

ClinVar aggregate classification (germline): Uncertain significance (1 of 4 stars; one submission).

Conditions:
Severe combined immunodeficiency due to DNA-PKcs deficiency. Also called: IMMUNODEFICIENCY 26 WITH NEUROLOGIC ABNORMALITIES; Immunodeficiency 26 with or without neurologic abnormalities. Identifiers: Orphanet 317425, MedGen C4014833, MONDO:0014423, OMIM 615966.

Submission:

Labcorp Genetics (formerly Invitae), Labcorp
Classification: Uncertain significance for Severe combined immunodeficiency due to DNA-PKcs deficiency. Last evaluated: 2021-05-04. Review status: criteria provided, single submitter. Criteria: Invitae Variant Classification Sherloc (09022015). Collection method: clinical testing. Allele origin: germline.
Comment: In summary, the available evidence is currently insufficient to determine the role of this variant in disease. Therefore, it has been classified as a Variant of Uncertain Significance. Experimental studies and prediction algorithms are not available or were not evaluated, and the functional significance of this variant is currently unknown. This variant has not been reported in the literature in individuals with PRKDC-related conditions. This variant is not present in population databases (ExAC no frequency). This sequence change replaces valine with methionine at codon 2924 of the PRKDC protein (p.Val2924Met). The valine residue is weakly conserved and there is a small physicochemical difference between valine and methionine.

NM_006904.7(PRKDC):c.8770G>A (p.Val2924Met)

Genes: PRKDC (protein kinase, DNA-activated, catalytic subunit; minus strand), LOC121740717 (Sharpr-MPRA regulatory region 7649; plus strand). Cytogenetic location: 8q11.21.
Variant type: single nucleotide variant.
Coding change: c.8770G>A on transcript NM_006904.7 (MANE Select); coding-DNA position 8770, G replaced by A.
Protein change: p.Val2924Met; replaces valine 2924 with methionine.
Molecular consequence: missense variant.
Genome position (GRCh38, 1-based): chr8:47,826,669, C>T on the plus strand (G>A on the coding strand, the complement: PRKDC is on the minus strand). VCF-style: chr8-47826669-C-T. GRCh37 (hg19) VCF-style: chr8-48739230-C-T.
Other names: c.8770G>A, p.Val2924Met (NM_001081640.2); short protein forms V2924M.
Identifiers: ClinVar variation 1488654 (VCV001488654.6), dbSNP rs2154499220, ClinGen allele CA371143469.